The following is an entry in ClinVar:

ClinVar aggregate classification (germline): Likely benign. Review status: criteria provided, multiple submitters, no conflicts (2 of 4 stars). 4 submissions from 4 submitters: Likely benign (2). 2 of the submissions do not count toward it. Last evaluated 2026-01-07.

Conditions:
NPC1-related disorder. Also called: NPC1-related condition.
Niemann-Pick disease, type C1. Also called: NIEMANN-PICK DISEASE, VARIANT TYPE C1; NEUROVISCERAL STORAGE DISEASE WITH VERTICAL SUPRANUCLEAR OPHTHALMOPLEGIA; NIEMANN-PICK DISEASE WITH CHOLESTEROL ESTERIFICATION BLOCK; NIEMANN-PICK DISEASE WITHOUT SPHINGOMYELINASE DEFICIENCY; NIEMANN-PICK DISEASE, CHRONIC NEURONOPATHIC FORM. Identifiers: Orphanet 646, MedGen C3179455, MONDO:0009757, OMIM 257220.

Allele frequency attached by ClinVar (database versions not stated): gnomAD exomes 0.00001; TOPMed 0.00001; gnomAD 0.00003.
gnomAD v4.1: 17 of 1,597,630 alleles (0.0011%); highest among the groups gnomAD compares: East Asian, 0.0092%; no homozygotes.

Submissions (4):

Labcorp Genetics (formerly Invitae), Labcorp
Classification: Likely benign for Niemann-Pick disease, type C1. Last evaluated: 2026-01-07. Review status: criteria provided, single submitter. Criteria: Invitae Variant Classification Sherloc (09022015). Collection method: clinical testing. Allele origin: germline.

CeGaT Center for Human Genetics Tuebingen
Classification: Likely benign. Last evaluated: 2022-07-01. Review status: criteria provided, single submitter. Criteria: CeGaT Center For Human Genetics Tuebingen Variant Classification Criteria Version 2. Collection method: clinical testing. Allele origin: germline. Affected: yes. Observed: 1 variant allele.
Comment: NPC1: BP4, BP7

PreventionGenetics, part of Exact Sciences
Classification: Likely benign for NPC1-related condition. Last evaluated: 2023-05-04. Review status: no assertion criteria provided. Collection method: clinical testing. Allele origin: germline. Not counted in ClinVar's aggregate classification.
Comment: This variant is classified as likely benign based on ACMG/AMP sequence variant interpretation guidelines (Richards et al. 2015 PMID: 25741868, with internal and published modifications).

Natera, Inc.
Classification: Likely benign for Niemann-Pick disease type C1. Last evaluated: 2020-05-04. Review status: no assertion criteria provided. Collection method: clinical testing. Allele origin: germline. Not counted in ClinVar's aggregate classification.

NM_000271.5(NPC1):c.1869C>T (p.Thr623=)

Gene: NPC1 (NPC intracellular cholesterol transporter 1; minus strand). Cytogenetic location: 18q11.2.
Variant type: single nucleotide variant.
Coding change: c.1869C>T on transcript NM_000271.5 (MANE Select); coding-DNA position 1869, C replaced by T.
Protein change: p.Thr623=; no amino-acid change (threonine 623 retained).
Molecular consequence: synonymous variant.
Genome position (GRCh38, 1-based): chr18:23,545,038, G>A on the plus strand (C>T on the coding strand, the complement: NPC1 is on the minus strand). VCF-style: chr18-23545038-G-A. GRCh37 (hg19) VCF-style: chr18-21125002-G-A.
Identifiers: ClinVar variation 751540 (VCV000751540.36), dbSNP rs1359876392, ClinGen allele CA503521957.